The following is an entry in ClinVar:

NM_001369268.1(ACAN):c.3009C>A (p.Thr1003=)

Gene: ACAN (aggrecan; plus strand). Cytogenetic location: 15q26.1.
Variant type: single nucleotide variant.
Coding change: c.3009C>A on transcript NM_001369268.1 (MANE Select); coding-DNA position 3009, C replaced by A.
Protein change: p.Thr1003=; no amino-acid change (threonine 1003 retained).
Molecular consequence: synonymous variant.
Genome position (GRCh38, 1-based): chr15:88,855,594, C>A. VCF-style: chr15-88855594-C-A. GRCh37 (hg19) VCF-style: chr15-89398825-C-A.
Other names: c.3009C>A, p.Thr1003= (NM_001135.4, NM_001411096.1, NM_001411097.1 and 1 more transcripts).
Identifiers: ClinVar variation 3234254 (VCV003234254.20), dbSNP rs4080952, ClinGen allele CA7719986.

ClinVar aggregate classification (germline): Benign (1 of 4 stars; one submission).

Allele frequency attached by ClinVar (database versions not stated): 1000 Genomes Project 30x 0.00687.

Submission:

CeGaT Center for Human Genetics Tuebingen
Classification: Benign. Last evaluated: 2024-04-01. Review status: criteria provided, single submitter. Criteria: CeGaT Center For Human Genetics Tuebingen Variant Classification Criteria Version 2. Collection method: clinical testing. Allele origin: germline. Affected: yes. Observed: 1 variant allele.
Comment: ACAN: BP4, BP7, BS1, BS2